The following is an entry in ClinVar:

ClinVar aggregate classification (germline): Uncertain significance. Review status: criteria provided, multiple submitters, no conflicts (2 of 4 stars). 2 submissions from 2 submitters: Uncertain significance (2). Last evaluated 2026-09-24.

Conditions:
Familial focal epilepsy with variable foci (FPEVF). Identifiers: Orphanet 98820, MedGen C1858477, MONDO:0020310.

Submissions (2):

GeneDx
Classification: Uncertain significance. Last evaluated: 2026-09-24. Review status: criteria provided, single submitter. Criteria: GeneDx Variant Classification Process June 2021. Collection method: clinical testing. Allele origin: germline.
Comment: Not observed at significant frequency in large population cohorts (gnomAD); In silico analysis indicates that this missense variant does not alter protein structure/function; Has not been previously published as pathogenic or benign to our knowledge

Labcorp Genetics (formerly Invitae), Labcorp
Classification: Uncertain significance for Familial focal epilepsy with variable foci. Last evaluated: 2024-05-29. Review status: criteria provided, single submitter. Criteria: Invitae Variant Classification Sherloc (09022015). Collection method: clinical testing. Allele origin: germline.
Comment: This sequence change replaces valine, which is neutral and non-polar, with leucine, which is neutral and non-polar, at codon 259 of the DEPDC5 protein (p.Val259Leu). This variant is not present in population databases (gnomAD no frequency). This variant has not been reported in the literature in individuals affected with DEPDC5-related conditions. Experimental studies and prediction algorithms are not available or were not evaluated, and the functional significance of this variant is currently unknown. In summary, the available evidence is currently insufficient to determine the role of this variant in disease. Therefore, it has been classified as a Variant of Uncertain Significance.

NM_001242896.3(DEPDC5):c.775G>C (p.Val259Leu)

Gene: DEPDC5 (DEP domain containing 5, GATOR1 subcomplex subunit; plus strand). Cytogenetic location: 22q12.2.
Variant type: single nucleotide variant.
Coding change: c.775G>C on transcript NM_001242896.3 (MANE Select); coding-DNA position 775, G replaced by C.
Protein change: p.Val259Leu; replaces valine 259 with leucine.
Molecular consequence: missense variant. On other transcripts: non-coding transcript variant (5).
Genome position (GRCh38, 1-based): chr22:31,797,607, G>C. VCF-style: chr22-31797607-G-C. GRCh37 (hg19) VCF-style: chr22-32193593-G-C.
Other names: c.775G>C (NM_001242896.1); c.775G>C, p.Val259Leu (NM_001007188.4, NM_001136029.4, NM_001242897.2 and 7 more transcripts); c.691G>C, p.Val231Leu (NM_001369901.1, NM_001369902.1); short protein forms V231L, V259L.
Identifiers: ClinVar variation 3654995 (VCV003654995.4).